The following is an entry in ClinVar:

ClinVar aggregate classification (germline): Uncertain significance. Review status: criteria provided, multiple submitters, no conflicts (2 of 4 stars). 2 submissions from 2 submitters: Uncertain significance (2). Last evaluated 2024-09-22.

Conditions:
Hereditary cancer-predisposing syndrome. Also called: Hereditary Cancer Syndrome; Hereditary neoplastic syndrome; Neoplastic Syndromes, Hereditary; Tumor predisposition. Identifiers: Orphanet 140162, MedGen C0027672, MeSH D009386, MONDO:0015356.

gnomAD v4.1: 1 of 1,614,022 alleles (0.000062%); highest among the groups gnomAD compares: East Asian, 0.0022%; no homozygotes.

Submissions (2):

Women's Health and Genetics/Laboratory Corporation of America, LabCorp
Classification: Uncertain significance. Last evaluated: 2024-09-22. Review status: criteria provided, single submitter. Criteria: LabCorp Variant Classification Summary - May 2015. Collection method: clinical testing. Allele origin: germline.

Ambry Genetics
Classification: Uncertain significance for Hereditary cancer-predisposing syndrome. Last evaluated: 2021-11-24. Review status: criteria provided, single submitter. Criteria: Ambry Variant Classification Scheme 2023. Collection method: clinical testing. Allele origin: germline.
Comment: The p.H426Q variant (also known as c.1278T>A), located in coding exon 4 of the BARD1 gene, results from a T to A substitution at nucleotide position 1278. The histidine at codon 426 is replaced by glutamine, an amino acid with highly similar properties. This amino acid position is conserved. In addition, this alteration is predicted to be tolerated by in silico analysis. Since supporting evidence is limited at this time, the clinical significance of this alteration remains unclear.

NM_000465.4(BARD1):c.1278T>A (p.His426Gln)

Gene: BARD1 (BRCA1 associated RING domain 1; minus strand). Cytogenetic location: 2q35.
Variant type: single nucleotide variant.
Coding change: c.1278T>A on transcript NM_000465.4 (MANE Select); coding-DNA position 1278, T replaced by A.
Protein change: p.His426Gln; replaces histidine 426 with glutamine.
Molecular consequence: missense variant. On other transcripts: non-coding transcript variant (2), intron variant (3).
Genome position (GRCh38, 1-based): chr2:214,780,596, A>T on the plus strand (T>A on the coding strand, the complement: BARD1 is on the minus strand). VCF-style: chr2-214780596-A-T. GRCh37 (hg19) VCF-style: chr2-215645320-A-T.
Other names: c.1221T>A, p.His407Gln (NM_001282543.2); c.159-28041T>A (NM_001282548.2); c.215+16465T>A (NM_001282545.2); c.364+11701T>A (NM_001282549.2); short protein forms H407Q, H426Q.
Identifiers: ClinVar variation 1767176 (VCV001767176.3), dbSNP rs2106107680, ClinGen allele CA350453415.